The following is an entry in ClinVar:

NM_177438.3(DICER1):c.1128_1132del (p.Lys376fs)

Gene: DICER1 (dicer 1, ribonuclease III; minus strand). Cytogenetic location: 14q32.13.
Variant type: Deletion.
Coding change: c.1128_1132del on transcript NM_177438.3 (MANE Select); coding-DNA positions 1128 to 1132, 5 bases deleted (AGTAA; older notation c.1128_1132delAGTAA).
Protein change: p.Lys376fs; shifts the reading frame from lysine 376.
Molecular consequence: frameshift variant.
Genome position (GRCh38, 1-based): chr14:95,124,440-95,124,444, TTACT deleted on the plus strand (AGTAA on the coding strand, the reverse complement: DICER1 is on the minus strand); deleting any 5 consecutive bases within chr14:95,124,440-95,124,447 gives the same sequence; the c. name uses the placement nearest the transcript's 3' end. VCF-style (leftmost placement, unchanged base first): chr14-95124439-ATTACT-A. GRCh37 (hg19) VCF-style: chr14-95590776-ATTACT-A.
Other names: c.1128_1132del, p.Lys376fs (NM_001195573.1, NM_001271282.3, NM_001291628.2 and 1 more transcripts); short protein forms K376fs.
Identifiers: ClinVar variation 933045 (VCV000933045.3), dbSNP rs1893219311, ClinGen allele CA1139663731.
Genomic context (GRCh38, chr14:95,124,439, plus strand): 5'-ACGCTTTCAAACTGCTGTCGCTCATATGGTTTATATTTGCGTAAGATTTCGAGCAGTTTG[ATTACT>A]TTAGGAGTTACAAATTTCAGGTCAAGTGAGGCAGGTGAGAAGTGCTCTTCACATAGTGCA-3'

ClinVar aggregate classification (germline): Pathogenic (1 of 4 stars; one submission).

Conditions:
DICER1-related tumor predisposition. Also called: DICER1-related pleuropulmonary blastoma cancer predisposition syndrome; DICER1 syndrome. Identifiers: Orphanet 284343, MedGen C3839822, MONDO:0100216.

Submission:

Foulkes Cancer Genetics LDI, Lady Davis Institute for Medical Research
Classification: Pathogenic for Pleuropulmonary blastoma. Last evaluated: 2019-07-01. Review status: criteria provided, single submitter. Criteria: ACMG Guidelines, 2015. Collection method: curation. Allele origin: germline. Affected: yes. Observed: 1 variant allele.
Comment: ACMG criteria met: PVS1, PM2, PM7

Literature cited by the submitters: PubMed 22717647.